The following is an entry in ClinVar:

ClinVar aggregate classification (germline): Likely benign. Review status: criteria provided, single submitter (1 of 4 stars). 2 submissions from 2 submitters: Likely benign (1). 1 of the submissions does not count toward it. Last evaluated 2025-09-29.

Conditions:
MYO5B-related disorder. Also called: MYO5B-related condition.

Allele frequency attached by ClinVar (database versions not stated): gnomAD 0.00002 and 0.00003; gnomAD exomes 0.00005; TOPMed 0.00005; ExAC 0.00007.
gnomAD v4.1: 46 of 1,609,078 alleles (0.0029%); highest among the groups gnomAD compares: Middle Eastern, 0.02%; no homozygotes.

Submissions (2):

Labcorp Genetics (formerly Invitae), Labcorp
Classification: Likely benign. Last evaluated: 2025-09-29. Review status: criteria provided, single submitter. Criteria: Invitae Variant Classification Sherloc (09022015). Collection method: clinical testing. Allele origin: germline.

PreventionGenetics, part of Exact Sciences
Classification: Likely benign for MYO5B-related condition. Last evaluated: 2021-08-05. Review status: no assertion criteria provided. Collection method: clinical testing. Allele origin: germline. Not counted in ClinVar's aggregate classification.
Comment: This variant is classified as likely benign based on ACMG/AMP sequence variant interpretation guidelines (Richards et al. 2015 PMID: 25741868, with internal and published modifications).

NM_001080467.3(MYO5B):c.3944+9G>A

Gene: MYO5B (myosin VB; minus strand). Cytogenetic location: 18q21.1.
Variant type: single nucleotide variant.
Coding change: c.3944+9G>A on transcript NM_001080467.3 (MANE Select); 9 bases into the intron after coding-DNA position 3944, G replaced by A.
Molecular consequence: intron variant.
Genome position (GRCh38, 1-based): chr18:49,863,218, C>T on the plus strand (G>A on the coding strand, the complement: MYO5B is on the minus strand). VCF-style: chr18-49863218-C-T. GRCh37 (hg19) VCF-style: chr18-47389588-C-T.
Other names: c.3944+9G>A (NM_001080467.2).
Identifiers: ClinVar variation 1630838 (VCV001630838.10), dbSNP rs199862906, ClinGen allele CA8960532.